The following is an entry in ClinVar:

ClinVar aggregate classification (germline): Uncertain significance. Review status: criteria provided, multiple submitters, no conflicts (2 of 4 stars). 4 submissions from 4 submitters: Uncertain significance (4). Last evaluated 2025-08-25.

Conditions:
Hereditary cancer-predisposing syndrome. Also called: Neoplastic Syndromes, Hereditary; Tumor predisposition; Hereditary neoplastic syndrome; Hereditary Cancer Syndrome. Identifiers: Orphanet 140162, MedGen C0027672, MeSH D009386, MONDO:0015356.
Rhabdoid tumor predisposition syndrome 2 (RTPS2). Identifiers: Orphanet 231108, Orphanet 69077, MedGen C2750074, MONDO:0013224, OMIM 613325.
Intellectual disability, autosomal dominant 16 (CSS4). Also called: COFFIN-SIRIS SYNDROME 4. Identifiers: Orphanet 1465, MedGen C3553249, MONDO:0013821, OMIM 614609.

Submissions (4):

Ambry Genetics
Classification: Uncertain significance for Hereditary cancer-predisposing syndrome. Last evaluated: 2025-08-25. Review status: criteria provided, single submitter. Criteria: Ambry Variant Classification Scheme 2023. Collection method: clinical testing. Allele origin: germline.
Comment: The p.T1034I variant (also known as c.3101C>T), located in coding exon 21 of the SMARCA4 gene, results from a C to T substitution at nucleotide position 3101. The threonine at codon 1034 is replaced by isoleucine, an amino acid with similar properties. This amino acid position is highly conserved in available vertebrate species. In addition, this alteration is predicted to be deleterious by in silico analysis. Based on the available evidence, the clinical significance of this variant remains unclear.

Labcorp Genetics (formerly Invitae), Labcorp
Classification: Uncertain significance for Rhabdoid tumor predisposition syndrome 2. Last evaluated: 2025-01-06. Review status: criteria provided, single submitter. Criteria: Invitae Variant Classification Sherloc (09022015). Collection method: clinical testing. Allele origin: germline.
Comment: This sequence change replaces threonine, which is neutral and polar, with isoleucine, which is neutral and non-polar, at codon 1034 of the SMARCA4 protein (p.Thr1034Ile). This variant is not present in population databases (gnomAD no frequency). This variant has not been reported in the literature in individuals affected with SMARCA4-related conditions. ClinVar contains an entry for this variant (Variation ID: 567598). Invitae Evidence Modeling of protein sequence and biophysical properties (such as structural, functional, and spatial information, amino acid conservation, physicochemical variation, residue mobility, and thermodynamic stability) has been performed for this missense variant. However, the output from this modeling did not meet the statistical confidence thresholds required to predict the impact of this variant on SMARCA4 protein function. In summary, the available evidence is currently insufficient to determine the role of this variant in disease. Therefore, it has been classified as a Variant of Uncertain Significance.

Baylor Genetics
Classification: Uncertain significance for Rhabdoid tumor predisposition syndrome 2. Last evaluated: 2023-07-14. Review status: criteria provided, single submitter. Criteria: ACMG Guidelines, 2015. Collection method: clinical testing. Allele origin: unknown.

Genome-Nilou Lab
Classification: Uncertain significance for Intellectual disability, autosomal dominant 16. Last evaluated: 2021-07-15. Review status: criteria provided, single submitter. Criteria: ACMG Guidelines, 2015. Collection method: clinical testing. Allele origin: germline. Affected: no.

NM_003072.5(SMARCA4):c.3101C>T (p.Thr1034Ile)

Gene: SMARCA4 (SWI/SNF related BAF chromatin remodeling complex subunit ATPase 4; plus strand). Cytogenetic location: 19p13.2.
Variant type: single nucleotide variant.
Coding change: c.3101C>T on transcript NM_003072.5 (MANE Select); coding-DNA position 3101, C replaced by T.
Protein change: p.Thr1034Ile; replaces threonine 1034 with isoleucine.
Molecular consequence: missense variant. On other transcripts: non-coding transcript variant (1).
Genome position (GRCh38, 1-based): chr19:11,025,441, C>T. VCF-style: chr19-11025441-C-T. GRCh37 (hg19) VCF-style: chr19-11136117-C-T.
Other names: c.3101C>T, p.Thr1034Ile (NM_001128844.3, NM_001128845.2, NM_001128846.2 and 5 more transcripts); short protein forms T1034I.
Identifiers: ClinVar variation 567598 (VCV000567598.18), dbSNP rs1568493644, ClinGen allele CA404059171.
Genomic context (GRCh38, chr19:11,025,441, plus strand): 5'-AGGGCAAGACCCCATTTGGGTCCCTCTCATCTGCCTTCCAGGGCAAAGGCGGCACCAAGA[C>T]CCTGATGAACACCATCATGCAGCTGCGGAAGATCTGCAACCACCCCTACATGTTCCAGCA-3'
Protein context (NP_003063.2, residues 1024-1044): KDKKGKGGTK[Thr1034Ile]LMNTIMQLRK